The following is an entry in ClinVar:

NM_000821.7(GGCX):c.2017C>T (p.Arg673Ter)

Gene: GGCX (gamma-glutamyl carboxylase; minus strand). Cytogenetic location: 2p11.2.
Variant type: single nucleotide variant.
Coding change: c.2017C>T on transcript NM_000821.7 (MANE Select); coding-DNA position 2017, C replaced by T.
Protein change: p.Arg673Ter; replaces arginine 673 with a stop codon.
Molecular consequence: nonsense.
Genome position (GRCh38, 1-based): chr2:85,550,622, G>A on the plus strand (C>T on the coding strand, the complement: GGCX is on the minus strand). VCF-style: chr2-85550622-G-A. GRCh37 (hg19) VCF-style: chr2-85777745-G-A.
Other names: c.1846C>T, p.Arg616Ter (NM_001142269.4); c.2017C>T (NM_000821.6); short protein forms R673*, R616*.
Identifiers: ClinVar variation 2956420 (VCV002956420.4), dbSNP rs750767043, ClinGen allele CA1741666.

ClinVar aggregate classification (germline): Pathogenic. Review status: criteria provided, multiple submitters, no conflicts (2 of 4 stars). 2 submissions from 2 submitters: Pathogenic (2). Last evaluated 2024-09-04.

Conditions:
GGCX-related disorder. Also called: GGCX-related condition; GGCX - Related Disorders.

Allele frequency attached by ClinVar (database versions not stated): gnomAD 0.00001; TOPMed 0.00001; ExAC 0.00003; gnomAD exomes 0.00003.
gnomAD v4.1: 51 of 1,613,796 alleles (0.0032%); highest among the groups gnomAD compares: Non-Finnish European, 0.004%; no homozygotes.

Submissions (2):

Labcorp Genetics (formerly Invitae), Labcorp
Classification: Pathogenic. Last evaluated: 2024-09-04. Review status: criteria provided, single submitter. Criteria: Invitae Variant Classification Sherloc (09022015). Collection method: clinical testing. Allele origin: germline.
Comment: This sequence change creates a premature translational stop signal (p.Arg673*) in the GGCX gene. It is expected to result in an absent or disrupted protein product. Loss-of-function variants in GGCX are known to be pathogenic (PMID: 17110937, 17327402, 24520408). This variant is present in population databases (rs750767043, gnomAD 0.006%). This variant has not been reported in the literature in individuals affected with GGCX-related conditions. For these reasons, this variant has been classified as Pathogenic.

Rady Children's Institute for Genomic Medicine, Rady Children's Hospital San Diego
Classification: Pathogenic for GGCX - Related Disorders. Last evaluated: 2024-04-25. Review status: criteria provided, single submitter. Criteria: ACMG Guidelines, 2015. Collection method: clinical testing. Allele origin: germline. Affected: yes.
Comment: This nonsense variant found in exon 14 of 15 is predicted to result in loss of normal protein function through either protein truncation or nonsense-mediated mRNA decay. Loss-of-function variation in GGCX has been reported in individuals with GGCX-related disorders in the literature (PMID: 28125048, 33590680). This variant has not been previously reported or functionally characterized in the literature to our knowledge. The c.2017C>T (p.Arg673Ter) variant is present in the heterozygous state in the gnomAD v4 population database at a frequency of 0.003% (51/1613796) and absent in the homozygous state, thus is presumed to be rare. Based on the available evidence, c.2017C>T (p.Arg673Ter) is classified as Pathogenic.

Literature cited by the submitters: PubMed 17110937 (cited by Labcorp Genetics (formerly Invitae), Labcorp); PubMed 17327402 (cited by Labcorp Genetics (formerly Invitae), Labcorp); PubMed 24520408 (cited by Labcorp Genetics (formerly Invitae), Labcorp).